The following is an entry in ClinVar:

ClinVar aggregate classification (germline): Uncertain significance. Review status: criteria provided, multiple submitters, no conflicts (2 of 4 stars). 2 submissions from 2 submitters: Uncertain significance (2). Last evaluated 2022-08-24.

Conditions:
Hereditary hemorrhagic telangiectasia (HHT). Also called: ORW DISEASE; Osler Weber Rendu syndrome; OSLER-RENDU-WEBER DISEASE; Osler hemorrhagic telangiectasia syndrome. Identifiers: Orphanet 774, MedGen C0039445, MONDO:0019180. Disease mechanism: loss of function.
Cardiovascular phenotype. Identifiers: MedGen CN230736.

Submissions (2):

Ambry Genetics
Classification: Uncertain significance for Cardiovascular phenotype. Last evaluated: 2022-08-24. Review status: criteria provided, single submitter. Criteria: Ambry Variant Classification Scheme 2023. Collection method: clinical testing. Allele origin: germline.
Comment: The c.992-3C>G intronic variant results from a C to G substitution 3 nucleotides upstream from coding exon 8 in the ENG gene. This alteration has been reported in a hereditary hemorrhagic telangiectasia (HHT) cohort; however, clinical details were limited (Nishida T et al. Am J Med Genet A, 2012 Nov;158A:2829-34). This nucleotide position is well conserved in available vertebrate species. In silico splice site analysis predicts that this alteration will weaken the native splice acceptor site and may result in the creation or strengthening of a novel splice acceptor site. Since supporting evidence is limited at this time, the clinical significance of this alteration remains unclear.

Labcorp Genetics (formerly Invitae), Labcorp
Classification: Uncertain significance for Hereditary hemorrhagic telangiectasia. Last evaluated: 2021-08-05. Review status: criteria provided, single submitter. Criteria: Invitae Variant Classification Sherloc (09022015). Collection method: clinical testing. Allele origin: germline.
Comment: This sequence change falls in intron 7 of the ENG gene. It does not directly change the encoded amino acid sequence of the ENG protein. It affects a nucleotide within the consensus splice site of the intron. This variant is not present in population databases (ExAC no frequency). This variant has been observed in individuals with hereditary hemorrhagic telangiectasia (PMID: 22991266; Invitae). Variants that disrupt the consensus splice site are a relatively common cause of aberrant splicing (PMID: 17576681, 9536098). Algorithms developed to predict the effect of sequence changes on RNA splicing suggest that this variant may disrupt the consensus splice site. In summary, the available evidence is currently insufficient to determine the role of this variant in disease. Therefore, it has been classified as a Variant of Uncertain Significance.

Literature cited by the submitters: PubMed 22991266 (cited by Ambry Genetics and Labcorp Genetics (formerly Invitae), Labcorp); PubMed 17576681 (cited by Labcorp Genetics (formerly Invitae), Labcorp); PubMed 9536098 (cited by Labcorp Genetics (formerly Invitae), Labcorp).

NM_001114753.3(ENG):c.992-3C>G

Gene: ENG (endoglin; minus strand). Cytogenetic location: 9q34.11.
Variant type: single nucleotide variant.
Coding change: c.992-3C>G on transcript NM_001114753.3 (MANE Select); 3 bases into the intron before coding-DNA position 992, C replaced by G.
Molecular consequence: intron variant.
Genome position (GRCh38, 1-based): chr9:127,824,449, G>C on the plus strand (C>G on the coding strand, the complement: ENG is on the minus strand). VCF-style: chr9-127824449-G-C. GRCh37 (hg19) VCF-style: chr9-130586728-G-C.
Other names: c.992-3C>G (NM_000118.4, NM_001406715.1); c.446-3C>G (NM_001278138.2).
Identifiers: ClinVar variation 1406097 (VCV001406097.9), dbSNP rs1830552318, ClinGen allele CA2573143991.